The following is an entry in ClinVar:

ClinVar aggregate classification (germline): Uncertain significance. Review status: criteria provided, multiple submitters, no conflicts (2 of 4 stars). 5 submissions from 5 submitters: Uncertain significance (5). Last evaluated 2025-05-16.

Conditions:
Inborn genetic diseases. Identifiers: MedGen C0950123, MeSH D030342.
Combined immunodeficiency due to LRBA deficiency. Also called: Common variable immunodeficiency 8, with autoimmunity. Identifiers: Orphanet 445018, MedGen C3553512, MONDO:0013863, OMIM 614700.

Allele frequency attached by ClinVar (database versions not stated): gnomAD 0.00003 and 0.00004; ExAC 0.00004; gnomAD exomes 0.00007; TOPMed 0.00007.
gnomAD v4.1: 28 of 1,605,124 alleles (0.0017%); highest among the groups gnomAD compares: Admixed American, 0.042%; no homozygotes.

Submissions (5):

Ambry Genetics
Classification: Uncertain significance for Inborn genetic diseases. Last evaluated: 2025-05-16. Review status: criteria provided, single submitter. Criteria: Ambry Variant Classification Scheme 2023. Collection method: clinical testing. Allele origin: germline.

Labcorp Genetics (formerly Invitae), Labcorp
Classification: Uncertain significance for Combined immunodeficiency due to LRBA deficiency. Last evaluated: 2023-10-27. Review status: criteria provided, single submitter. Criteria: Invitae Variant Classification Sherloc (09022015). Collection method: clinical testing. Allele origin: germline.
Comment: This sequence change replaces serine, which is neutral and polar, with glycine, which is neutral and non-polar, at codon 213 of the LRBA protein (p.Ser213Gly). This variant is present in population databases (rs538370042, gnomAD 0.05%). This variant has not been reported in the literature in individuals affected with LRBA-related conditions. ClinVar contains an entry for this variant (Variation ID: 960632). Advanced modeling of protein sequence and biophysical properties (such as structural, functional, and spatial information, amino acid conservation, physicochemical variation, residue mobility, and thermodynamic stability) performed at Invitae indicates that this missense variant is not expected to disrupt LRBA protein function with a negative predictive value of 80%. In summary, the available evidence is currently insufficient to determine the role of this variant in disease. Therefore, it has been classified as a Variant of Uncertain Significance.

Blueprint Genetics
Classification: Uncertain significance. Last evaluated: 2022-07-18. Review status: criteria provided, single submitter. Criteria: ACMG Guidelines, 2015. Collection method: clinical testing. Allele origin: germline.

Fulgent Genetics
Classification: Uncertain significance for Combined immunodeficiency due to LRBA deficiency. Last evaluated: 2021-07-31. Review status: criteria provided, single submitter. Criteria: ACMG Guidelines, 2015. Collection method: clinical testing. Allele origin: unknown.

Baylor Genetics
Classification: Uncertain significance for Combined immunodeficiency due to LRBA deficiency. Last evaluated: 2019-04-11. Review status: criteria provided, single submitter. Criteria: ACMG Guidelines, 2015. Collection method: clinical testing. Allele origin: maternal. Affected: yes.
Comment: This variant was determined to be of uncertain significance according to ACMG Guidelines, 2015 [PMID:25741868].

NM_001364905.1(LRBA):c.637A>G (p.Ser213Gly)

Gene: LRBA (LPS responsive beige-like anchor protein; minus strand). Cytogenetic location: 4q31.3.
Variant type: single nucleotide variant.
Coding change: c.637A>G on transcript NM_001364905.1 (MANE Select); coding-DNA position 637, A replaced by G.
Protein change: p.Ser213Gly; replaces serine 213 with glycine.
Molecular consequence: missense variant.
Genome position (GRCh38, 1-based): chr4:150,921,206, T>C on the plus strand (A>G on the coding strand, the complement: LRBA is on the minus strand). VCF-style: chr4-150921206-T-C. GRCh37 (hg19) VCF-style: chr4-151842358-T-C.
Other names: c.637A>G, p.Ser213Gly (NM_001199282.3, NM_001367550.1, NM_006726.5); short protein forms S213G.
Identifiers: ClinVar variation 960632 (VCV000960632.10), dbSNP rs538370042, ClinGen allele CA3103812.